The following is an entry in ClinVar:

ClinVar aggregate classification (germline): Pathogenic (1 of 4 stars; one submission).

Submission:

Labcorp Genetics (formerly Invitae), Labcorp
Classification: Pathogenic. Last evaluated: 2021-12-16. Review status: criteria provided, single submitter. Criteria: Invitae Variant Classification Sherloc (09022015). Collection method: clinical testing. Allele origin: germline.
Comment: This variant has not been reported in the literature in individuals affected with SRCAP-related conditions. This variant disrupts a region of the SRCAP protein in which other variant(s) (p.Gln3043Alafs*9) have been determined to be pathogenic (PMID: 33909990). This suggests that this is a clinically significant region of the protein, and that variants that disrupt it are likely to be disease-causing. For these reasons, this variant has been classified as Pathogenic. This variant is not present in population databases (gnomAD no frequency). This sequence change creates a premature translational stop signal (p.Ile2415Asnfs*28) in the SRCAP gene. While this is not anticipated to result in nonsense mediated decay, it is expected to disrupt the last 816 amino acid(s) of the SRCAP protein.

Literature cited by the submitters: PubMed 33909990.

NM_006662.3(SRCAP):c.7243dup (p.Ile2415fs)

Gene: SRCAP (Snf2 related CREBBP activator protein; plus strand). Cytogenetic location: 16p11.2.
Variant type: Duplication.
Coding change: c.7243dup on transcript NM_006662.3 (MANE Select); coding-DNA position 7243, one base duplicated (A; older notation c.7243dupA).
Protein change: p.Ile2415fs; shifts the reading frame from isoleucine 2415.
Molecular consequence: frameshift variant.
Genome position (GRCh38, 1-based): chr16:30,737,283, A duplicated. VCF-style (leftmost placement, unchanged base first): chr16-30737282-C-CA. GRCh37 (hg19) VCF-style: chr16-30748603-C-CA.
Other names: short protein forms I2415fs.
Identifiers: ClinVar variation 1383995 (VCV001383995.6), dbSNP rs2151300055, ClinGen allele CA2573152239.